The following is an entry in ClinVar:

ClinVar aggregate classification (germline): Uncertain significance (1 of 4 stars; one submission).

Submission:

Labcorp Genetics (formerly Invitae), Labcorp
Classification: Uncertain significance. Last evaluated: 2022-11-09. Review status: criteria provided, single submitter. Criteria: Invitae Variant Classification Sherloc (09022015). Collection method: clinical testing. Allele origin: germline.
Comment: In summary, the available evidence is currently insufficient to determine the role of this variant in disease. Therefore, it has been classified as a Variant of Uncertain Significance. This sequence change replaces alanine, which is neutral and non-polar, with valine, which is neutral and non-polar, at codon 1206 of the MCM3AP protein (p.Ala1206Val). This variant is not present in population databases (gnomAD no frequency). This variant has not been reported in the literature in individuals affected with MCM3AP-related conditions. Algorithms developed to predict the effect of missense changes on protein structure and function are either unavailable or do not agree on the potential impact of this missense change (SIFT: "Deleterious"; PolyPhen-2: "Benign"; Align-GVGD: "Class C0").

NM_003906.5(MCM3AP):c.3617C>T (p.Ala1206Val)

Gene: MCM3AP (minichromosome maintenance complex component 3 associated protein; minus strand). Cytogenetic location: 21q22.3.
Variant type: single nucleotide variant.
Coding change: c.3617C>T on transcript NM_003906.5 (MANE Select); coding-DNA position 3617, C replaced by T.
Protein change: p.Ala1206Val; replaces alanine 1206 with valine.
Molecular consequence: missense variant.
Genome position (GRCh38, 1-based): chr21:46,259,056, G>A on the plus strand (C>T on the coding strand, the complement: MCM3AP is on the minus strand). VCF-style: chr21-46259056-G-A. GRCh37 (hg19) VCF-style: chr21-47678970-G-A.
Other names: short protein forms A1206V.
Identifiers: ClinVar variation 2989700 (VCV002989700.3), dbSNP rs2517368306, ClinGen allele CA410552911.